The following is an entry in ClinVar:

NM_001378778.1(MPDZ):c.1995C>T (p.Ile665=)

Gene: MPDZ (multiple PDZ domain crumbs cell polarity complex component; minus strand). Cytogenetic location: 9p23.
Variant type: single nucleotide variant.
Coding change: c.1995C>T on transcript NM_001378778.1 (MANE Select); coding-DNA position 1995, C replaced by T.
Protein change: p.Ile665=; no amino-acid change (isoleucine 665 retained).
Molecular consequence: synonymous variant.
Genome position (GRCh38, 1-based): chr9:13,190,273, G>A on the plus strand (C>T on the coding strand, the complement: MPDZ is on the minus strand). VCF-style: chr9-13190273-G-A. GRCh37 (hg19) VCF-style: chr9-13190272-G-A.
Other names: c.1995C>T, p.Ile665= (NM_001261406.2, NM_001261407.2, NM_001330637.2 and 14 more transcripts).
Identifiers: ClinVar variation 782117 (VCV000782117.24), dbSNP rs181658884, ClinGen allele CA4987594.
Genomic context (GRCh38, chr9:13,190,273, plus strand): 5'-TTCTGTACTCTGACCCGCATCAGTCATCGCCAGCACTGGATCCTCTGTCTCTGATGACCC[G>A]ATGAACTCACCTAGATCTACGTGAGGCTGGATAATATCAGACAGCTCTTATTTCAGAGGC-3'
Protein context (NP_001365707.1, residues 655-675): EKPHVDLGEF[Ile665=]GSSETEDPVL

ClinVar aggregate classification (germline): Benign/Likely benign. Review status: criteria provided, multiple submitters, no conflicts (2 of 4 stars). 4 submissions from 4 submitters: Benign (1); Likely benign (3). Last evaluated 2026-01-22.

Conditions:
MPDZ-related disorder. Also called: MPDZ-related condition.

Allele frequency attached by ClinVar (database versions not stated): TOPMed 0.00059; ESP Exome Variant Server 0.00072; 1000 Genomes Project 30x 0.00109; 1000 Genomes Project 0.00120; gnomAD 0.00220; gnomAD exomes 0.00239; ExAC 0.00265.
gnomAD v4.1: 1,939 of 1,603,046 alleles (0.12%); highest among the groups gnomAD compares: East Asian, 0.67%; 6 homozygotes.

Submissions (4):

Labcorp Genetics (formerly Invitae), Labcorp
Classification: Benign. Last evaluated: 2026-01-22. Review status: criteria provided, single submitter. Criteria: Invitae Variant Classification Sherloc (09022015). Collection method: clinical testing. Allele origin: germline.

PreventionGenetics, part of Exact Sciences
Classification: Likely benign for MPDZ-related condition. Last evaluated: 2025-02-20. Review status: criteria provided, single submitter. Criteria: ACMG Guidelines, 2015. Collection method: clinical testing. Allele origin: germline.
Comment: This variant is classified as likely benign based on ACMG/AMP sequence variant interpretation guidelines (Richards et al. 2015 PMID: 25741868, with internal and published modifications).

CeGaT Center for Human Genetics Tuebingen
Classification: Likely benign. Last evaluated: 2025-01-01. Review status: criteria provided, single submitter. Criteria: CeGaT Center For Human Genetics Tuebingen Variant Classification Criteria Version 2. Collection method: clinical testing. Allele origin: germline. Affected: yes. Observed: 1 variant allele.
Comment: MPDZ: BP4, BP7

Blueprint Genetics
Classification: Likely benign. Last evaluated: 2024-11-18. Review status: criteria provided, single submitter. Criteria: ACMG Guidelines, 2015. Collection method: clinical testing. Allele origin: germline.